The following is an entry in ClinVar:

NM_001329998.2(TRANK1):c.6789C>G (p.Gly2263=)

Gene: TRANK1 (tetratricopeptide repeat and ankyrin repeat containing 1; minus strand). Cytogenetic location: 3p22.2.
Variant type: single nucleotide variant.
Coding change: c.6789C>G on transcript NM_001329998.2 (MANE Select); coding-DNA position 6789, C replaced by G.
Protein change: p.Gly2263=; no amino-acid change (glycine 2263 retained).
Molecular consequence: synonymous variant.
Genome position (GRCh38, 1-based): chr3:36,832,794, G>C on the plus strand (C>G on the coding strand, the complement: TRANK1 is on the minus strand). VCF-style: chr3-36832794-G-C. GRCh37 (hg19) VCF-style: chr3-36874285-G-C.
Other names: c.6657C>G, p.Gly2219= (NM_014831.3).
Identifiers: ClinVar variation 3024774 (VCV003024774.22), dbSNP rs148362947, ClinGen allele CA2306278.

ClinVar aggregate classification (germline): Likely benign (1 of 4 stars; one submission).

Allele frequency attached by ClinVar (database versions not stated): 1000 Genomes Project 0.00339; 1000 Genomes Project 30x 0.00344; ExAC 0.00592; TOPMed 0.00629; ESP Exome Variant Server 0.00853.
gnomAD v4.1: 12,163 of 1,613,972 alleles (0.75%); highest among the groups gnomAD compares: Non-Finnish European, 0.85%; 68 homozygotes.

Submission:

CeGaT Center for Human Genetics Tuebingen
Classification: Likely benign. Last evaluated: 2024-07-01. Review status: criteria provided, single submitter. Criteria: CeGaT Center For Human Genetics Tuebingen Variant Classification Criteria Version 2. Collection method: clinical testing. Allele origin: germline. Affected: yes. Observed: 2 variant alleles.
Comment: TRANK1: BP4, BP7, BS2